The following is an entry in ClinVar:

ClinVar aggregate classification (germline): Uncertain significance (1 of 4 stars; one submission).

Submission:

GeneDx
Classification: Uncertain significance. Last evaluated: 2024-06-26. Review status: criteria provided, single submitter. Criteria: GeneDx Variant Classification Process June 2021. Collection method: clinical testing. Allele origin: germline. Affected: yes.
Comment: Not observed at significant frequency in large population cohorts (gnomAD); In silico analysis supports that this missense variant has a deleterious effect on protein structure/function; Has not been previously published as pathogenic or benign to our knowledge

NM_001128.6(AP1G1):c.514A>T (p.Met172Leu)

Gene: AP1G1 (adaptor related protein complex 1 subunit gamma 1; minus strand). Cytogenetic location: 16q22.2.
Variant type: single nucleotide variant.
Coding change: c.514A>T on transcript NM_001128.6 (MANE Select); coding-DNA position 514, A replaced by T.
Protein change: p.Met172Leu; replaces methionine 172 with leucine.
Molecular consequence: missense variant.
Genome position (GRCh38, 1-based): chr16:71,771,207, T>A on the plus strand (A>T on the coding strand, the complement: AP1G1 is on the minus strand). VCF-style: chr16-71771207-T-A. GRCh37 (hg19) VCF-style: chr16-71805110-T-A.
Other names: c.514A>T, p.Met172Leu (NM_001030007.2); short protein forms M172L.
Identifiers: ClinVar variation 3392783 (VCV003392783.1).